The following is an entry in ClinVar:

ClinVar aggregate classification (germline): Conflicting classifications of pathogenicity. Review status: criteria provided, conflicting classifications (1 of 4 stars). 10 submissions from 10 submitters: Pathogenic (1); Likely pathogenic (6); Uncertain significance (1). 2 of the submissions do not count toward it. Last evaluated 2026-03-11.

Conditions:
Childhood hypophosphatasia. Identifiers: Orphanet 247667, Orphanet 436, MedGen C0220743, MONDO:1010168, OMIM 241510, MONDO:0009428.
Infantile hypophosphatasia. Identifiers: Orphanet 247651, Orphanet 436, MedGen C0268412, MONDO:1010169, OMIM 241500, MONDO:0009427.
Adult hypophosphatasia. Identifiers: Orphanet 247676, Orphanet 436, MedGen C0268413, MONDO:1010154, OMIM 146300, MONDO:0007798.
ALPL-related disorder. Also called: ALPL-related disorders; ALPL-related condition.
Hypophosphatasia. Also called: Phosphoethanol-aminuria. Identifiers: Orphanet 436, MedGen C0020630, MeSH D007014, MONDO:0018570.

Submissions (10):

Myriad Genetics, Inc.
Classification: Uncertain significance for Hypophosphatasia. Last evaluated: 2026-03-11. Review status: criteria provided, single submitter. Criteria: Myriad Autosomal Dominant, Autosomal Recessive and X-Linked Classification Criteria (2023). Collection method: clinical testing. Allele origin: unknown.
Comment: NM_000478.4(ALPL):c.1042G>A(A348T) is a missense variant classified as a variant of uncertain significance in the context of hypophosphatasia. A348T has been observed in cases with relevant disease (PMID: 10679946, 32160374, 11855933). Relevant functional assessments of this variant are available in the literature (PMID: 10679946). A348T has not been observed in referenced population frequency databases. In summary, there is insufficient evidence to classify NM_000478.4(ALPL):c.1042G>A(A348T) as pathogenic or benign. Please note: this variant was assessed in the context of healthy population screening.

Labcorp Genetics (formerly Invitae), Labcorp
Classification: Pathogenic. Last evaluated: 2025-09-26. Review status: criteria provided, single submitter. Criteria: Invitae Variant Classification Sherloc (09022015). Collection method: clinical testing. Allele origin: germline.
Comment: This sequence change replaces alanine, which is neutral and non-polar, with threonine, which is neutral and polar, at codon 348 of the ALPL protein (p.Ala348Thr). This variant is not present in population databases (gnomAD no frequency). This missense change has been observed in individual(s) with autosomal recessive hypophosphatasia (PMID: 10679946, 11855933, 32160374). This variant is also known as A331T. ClinVar contains an entry for this variant (Variation ID: 555880). Invitae Evidence Modeling of protein sequence and biophysical properties (such as structural, functional, and spatial information, amino acid conservation, physicochemical variation, residue mobility, and thermodynamic stability) indicates that this missense variant is expected to disrupt ALPL protein function with a positive predictive value of 95%. Experimental studies have shown that this missense change affects ALPL function (PMID: 10679946). For these reasons, this variant has been classified as Pathogenic.

Genomenon, Inc
Classification: Likely pathogenic for Hypophosphatasia. Last evaluated: 2025-08-29. Review status: criteria provided, single submitter. Criteria: Genomenon Sequence Variant Interpretation Standards. Collection method: curation. Allele origin: germline. Affected: yes.
Comment: ALPL c.1042G>A is a missense variant that changes the amino acid at residue 348 from Alanine to Threonine. This variant has been observed in at least one proband affected with hypophosphatasia (PMID:11855933;10679946). Functional studies have been reported;however, the significance of the findings remain unclear (PMID:10679946). This variant has been described as Ala331Thr in the literature. It is absent or not present at a significant frequency in gnomAD. In silico models agree that this variant is possibly or probably damaging. In conclusion, we classify ALPL p.Ala348Thr (c.1042G>A) as a likely pathogenic variant.

Natera, Inc.
Classification: Likely pathogenic for Hypophosphatasia. Last evaluated: 2025-08-03. Review status: criteria provided, single submitter. Criteria: Natera Variant Classification Schema (03/2026). Collection method: clinical testing. Allele origin: germline.
Comment: The c.1042G>A variant in ALPL is a missense variant predicted to cause substitution of alanine to threonine at amino acid 348. This variant is rare in the general population with a frequency below the threshold expected for the associated phenotype(s). This variant has been observed in one or more individuals affected with the associated recessive disease, as either homozygous or compound heterozygous with a second variant (PMID: 32973344, 11855933). Computational prediction algorithms indicate this variant is likely to affect gene or protein function. Given the available evidence, this variant is classified as Likely Pathogenic.

Women's Health and Genetics/Laboratory Corporation of America, LabCorp
Classification: Likely pathogenic for Hypophosphatasia. Last evaluated: 2025-07-16. Review status: criteria provided, single submitter. Criteria: LabCorp Variant Classification Summary - May 2015. Collection method: clinical testing. Allele origin: germline.
Comment: Variant summary: ALPL c.1042G>A (p.Ala348Thr) results in a non-conservative amino acid change in the encoded protein sequence. Algorithms developed to predict the effect of missense changes on protein structure and function all suggest that this variant is likely to be disruptive. The variant was absent in 251440 control chromosomes. c.1042G>A has been reported in the literature in compound heterozygous individuals affected with autosomal recessive Hypophosphatasia (Taillandier_2000, Mumm_2002, Del Angel_2020). These data indicate that the variant may be associated with disease. The variant was found impacting protein function by reducing enzymatic activity to between 25-33% compared to wild-type (Taillandier_2000, ALPL Database). The following publications have been ascertained in the context of this evaluation (PMID: 32160374, 11855933, 10679946, 37898381, 25023282, 37422472, 38591765, 11395499, 35320273, 32973344, 18328985, 10737975). ClinVar contains an entry for this variant (Variation ID: 555880). Based on the evidence outlined above, the variant was classified as likely pathogenic for autosomal dominant and autosomal recessive hypophosphatasia.

Fulgent Genetics
Classification: Likely pathogenic for Adult hypophosphatasia; Infantile hypophosphatasia; Childhood hypophosphatasia. Last evaluated: 2023-12-27. Review status: criteria provided, single submitter. Criteria: ACMG Guidelines, 2015. Collection method: clinical testing. Allele origin: germline.

Baylor Genetics
Classification: Likely pathogenic for Adult hypophosphatasia. Last evaluated: 2023-06-01. Review status: criteria provided, single submitter. Criteria: ACMG Guidelines, 2015. Collection method: clinical testing. Allele origin: unknown.

JKU Lab, Dept of Paediatrics, Johannes Kepler University
Classification: Likely pathogenic for Hypophosphatasia. Review status: criteria provided, single submitter. Criteria: ACMG Guidelines, 2015. Collection method: curation, in vitro. Allele origin: germline, not applicable. Affected: yes. Functional consequence: decreased enzyme activity.
Comment: This missense variant is not present in GnomAD 4.1 and affects a highly conserved amino acid in proximity of the active site domain. The variant is predicted to affect protein function (REVEL score: 0.852). Splice-prediction algorithms predict no effect on splicing. In vitro functional studies showed reduced ALP activity without dominant negative effect. This variant has been reported in the literature in individuals affected with ALPL-related conditions (PMID:32160374;PMID:38591765;PMID:38591765;PMID:10679946). The results of the functional testing and the applied ACMG criteria can be viewed at an online resource

PreventionGenetics, part of Exact Sciences
Classification: Uncertain significance for ALPL-related condition. Last evaluated: 2024-01-11. Review status: no assertion criteria provided. Collection method: clinical testing. Allele origin: germline. Not counted in ClinVar's aggregate classification.
Comment: The ALPL c.1042G>A variant is predicted to result in the amino acid substitution p.Ala348Thr. This variant in the compound heterozygous condition along with a second variant in this gene was reported in several individuals with hypophosphatasia (reported as Ala331Thr, Taillandier et al. 2000. PubMed ID: 10679946, Mumm. 2002. PubMed ID: 11855933, Table S2, Del Angel. 2020. PubMed ID: 32160374). In vitro functional studies demonstrate that this variant led to reduced enzyme activity compared to wildtype (Taillandier et al. 2000. PubMed ID: 10679946). This variant has not been reported in a large population database, indicating this variant is rare. Tis variant is interpreted as likely pathogenic.

Counsyl
Classification: Uncertain significance for Infantile hypophosphatasia. Last evaluated: 2018-01-02. Review status: no assertion criteria provided. Collection method: clinical testing. Allele origin: unknown. Not counted in ClinVar's aggregate classification.

Literature cited by the submitters: PubMed 10679946 (cited by 6 submitters); PubMed 11855933 (cited by 6 submitters); PubMed 32160374 (cited by 4 submitters); PubMed 32973344 (cited by Natera, Inc. and Women's Health and Genetics/Laboratory Corporation of America, LabCorp); PubMed 25023282 (cited by Women's Health and Genetics/Laboratory Corporation of America, LabCorp); PubMed 18328985 (cited by Women's Health and Genetics/Laboratory Corporation of America, LabCorp); PubMed 35320273 (cited by Women's Health and Genetics/Laboratory Corporation of America, LabCorp); PubMed 11395499 (cited by Women's Health and Genetics/Laboratory Corporation of America, LabCorp); PubMed 37422472 (cited by Women's Health and Genetics/Laboratory Corporation of America, LabCorp); PubMed 38591765 (cited by Women's Health and Genetics/Laboratory Corporation of America, LabCorp and JKU Lab, Dept of Paediatrics, Johannes Kepler University); PubMed 10737975 (cited by Women's Health and Genetics/Laboratory Corporation of America, LabCorp); PubMed 37898381 (cited by Women's Health and Genetics/Laboratory Corporation of America, LabCorp).

NM_000478.6(ALPL):c.1042G>A (p.Ala348Thr)

Gene: ALPL (alkaline phosphatase, biomineralization associated; plus strand). Cytogenetic location: 1p36.12.
Variant type: single nucleotide variant.
Coding change: c.1042G>A on transcript NM_000478.6 (MANE Select); coding-DNA position 1042, G replaced by A.
Protein change: p.Ala348Thr; replaces alanine 348 with threonine.
Molecular consequence: missense variant.
Genome position (GRCh38, 1-based): chr1:21,575,777, G>A. VCF-style: chr1-21575777-G-A. GRCh37 (hg19) VCF-style: chr1-21902270-G-A.
Other names: c.877G>A, p.Ala293Thr (NM_001127501.4); c.811G>A, p.Ala271Thr (NM_001177520.3); c.1042G>A, p.Ala348Thr (NM_001369803.2, NM_001369804.2, NM_001369805.2); short protein forms A348T, A293T, A271T.
Identifiers: ClinVar variation 555880 (VCV000555880.22), dbSNP rs1553414563, ClinGen allele CA338881075.